The following is an entry in ClinVar:

NM_000255.4(MMUT):c.2084C>T (p.Pro695Leu)

Gene: MMUT (methylmalonyl-CoA mutase; minus strand). Cytogenetic location: 6p12.3.
Variant type: single nucleotide variant.
Coding change: c.2084C>T on transcript NM_000255.4 (MANE Select); coding-DNA position 2084, C replaced by T.
Protein change: p.Pro695Leu; replaces proline 695 with leucine.
Molecular consequence: missense variant.
Genome position (GRCh38, 1-based): chr6:49,435,496, G>A on the plus strand (C>T on the coding strand, the complement: MMUT is on the minus strand). VCF-style: chr6-49435496-G-A. GRCh37 (hg19) VCF-style: chr6-49403209-G-A.
Other names: c.2084C>T (NM_000255.3); short protein forms P695L.
Identifiers: ClinVar variation 1038735 (VCV001038735.6), dbSNP rs561197473, ClinGen allele CA3846667.

ClinVar aggregate classification (germline): Uncertain significance. Review status: criteria provided, multiple submitters, no conflicts (2 of 4 stars). 5 submissions from 5 submitters: Uncertain significance (4). 1 of the submissions does not count toward it. Last evaluated 2025-09-24.

Conditions:
Methylmalonic aciduria due to complete methylmalonyl-CoA mutase deficiency.
Methylmalonic aciduria due to methylmalonyl-CoA mutase deficiency (MAMM). Also called: Methylmalonic aciduria, mut type. Identifiers: Orphanet 27, MedGen C1855114, MONDO:0009612, OMIM 251000.

Allele frequency attached by ClinVar (database versions not stated): gnomAD exomes below 0.00001 and 0.00002; TOPMed 0.00002; ExAC 0.00003; gnomAD 0.00004 and 0.00005; 1000 Genomes Project 30x 0.00016; 1000 Genomes Project 0.00020.
gnomAD v4.1: 13 of 1,614,078 alleles (0.00081%); highest among the groups gnomAD compares: East Asian, 0.018%; no homozygotes.

Submissions (5):

Genesolutions, Medical Genetics Institutes, Ho Chi Minh City, Vietnam
Classification: Uncertain significance for Methylmalonic aciduria due to methylmalonyl-CoA mutase deficiency. Last evaluated: 2025-09-24. Review status: criteria provided, single submitter. Criteria: ACMG Guidelines, 2015. Collection method: clinical testing. Allele origin: germline. Affected: yes.

Ambry Genetics
Classification: Uncertain significance. Last evaluated: 2023-12-12. Review status: criteria provided, single submitter. Criteria: Ambry Variant Classification Scheme 2023. Collection method: clinical testing. Allele origin: germline.

Labcorp Genetics (formerly Invitae), Labcorp
Classification: Uncertain significance. Last evaluated: 2022-07-12. Review status: criteria provided, single submitter. Criteria: Invitae Variant Classification Sherloc (09022015). Collection method: clinical testing. Allele origin: germline.
Comment: This sequence change replaces proline, which is neutral and non-polar, with leucine, which is neutral and non-polar, at codon 695 of the MUT protein (p.Pro695Leu). This variant is present in population databases (rs561197473, gnomAD 0.03%). This variant has not been reported in the literature in individuals affected with MUT-related conditions. ClinVar contains an entry for this variant (Variation ID: 1038735). Algorithms developed to predict the effect of missense changes on protein structure and function are either unavailable or do not agree on the potential impact of this missense change (SIFT: "Deleterious"; PolyPhen-2: "Possibly Damaging"; Align-GVGD: "Class C15"). In summary, the available evidence is currently insufficient to determine the role of this variant in disease. Therefore, it has been classified as a Variant of Uncertain Significance.

Fulgent Genetics
Classification: Uncertain significance for Methylmalonic aciduria due to methylmalonyl-CoA mutase deficiency. Last evaluated: 2021-07-07. Review status: criteria provided, single submitter. Criteria: ACMG Guidelines, 2015. Collection method: clinical testing. Allele origin: unknown.

Natera, Inc.
Classification: Uncertain significance for Methylmalonic aciduria due to complete methylmalonyl-CoA mutase deficiency. Last evaluated: 2020-05-09. Review status: no assertion criteria provided. Collection method: clinical testing. Allele origin: germline. Not counted in ClinVar's aggregate classification.